The following is an entry in ClinVar:

NM_004304.5(ALK):c.158G>A (p.Ser53Asn)

Gene: ALK (ALK receptor tyrosine kinase; minus strand). Cytogenetic location: 2p23.1.
Variant type: single nucleotide variant.
Coding change: c.158G>A on transcript NM_004304.5 (MANE Select); coding-DNA position 158, G replaced by A.
Protein change: p.Ser53Asn; replaces serine 53 with asparagine.
Molecular consequence: missense variant.
Genome position (GRCh38, 1-based): chr2:29,920,502, C>T on the plus strand (G>A on the coding strand, the complement: ALK is on the minus strand). VCF-style: chr2-29920502-C-T. GRCh37 (hg19) VCF-style: chr2-30143368-C-T.
Other names: c.158G>A (NM_004304.4); short protein forms S53N.
Identifiers: ClinVar variation 1045346 (VCV001045346.8), dbSNP rs754798392, ClinGen allele CA1595033.

ClinVar aggregate classification (germline): Uncertain significance. Review status: criteria provided, multiple submitters, no conflicts (2 of 4 stars). 2 submissions from 2 submitters: Uncertain significance (2). Last evaluated 2025-04-17.

Conditions:
Neuroblastoma, susceptibility to, 3. Also called: ALK-Related Neuroblastic Tumor Susceptibility. Identifiers: Orphanet 635, MedGen C2751681, MONDO:0013083, OMIM 613014.
Hereditary cancer-predisposing syndrome. Also called: Hereditary neoplastic syndrome; Neoplastic Syndromes, Hereditary; Tumor predisposition; Hereditary Cancer Syndrome. Identifiers: Orphanet 140162, MedGen C0027672, MeSH D009386, MONDO:0015356.

Allele frequency attached by ClinVar (database versions not stated): gnomAD exomes below 0.00001; TOPMed below 0.00001; ExAC 0.00001; gnomAD 0.00001.
gnomAD v4.1: 4 of 1,612,934 alleles (0.00025%); highest among the groups gnomAD compares: Non-Finnish European, 0.00034%; no homozygotes.

Submissions (2):

Labcorp Genetics (formerly Invitae), Labcorp
Classification: Uncertain significance for Neuroblastoma, susceptibility to, 3. Last evaluated: 2025-04-17. Review status: criteria provided, single submitter. Criteria: Invitae Variant Classification Sherloc (09022015). Collection method: clinical testing. Allele origin: germline.
Comment: This sequence change replaces serine, which is neutral and polar, with asparagine, which is neutral and polar, at codon 53 of the ALK protein (p.Ser53Asn). This variant is present in population databases (rs754798392, gnomAD 0.0009%). This variant has not been reported in the literature in individuals affected with ALK-related conditions. ClinVar contains an entry for this variant (Variation ID: 1045346). An algorithm developed to predict the effect of missense changes on protein structure and function (PolyPhen-2) suggests that this variant is likely to be disruptive. In summary, the available evidence is currently insufficient to determine the role of this variant in disease. Therefore, it has been classified as a Variant of Uncertain Significance.

Ambry Genetics
Classification: Uncertain significance for Hereditary cancer-predisposing syndrome. Last evaluated: 2023-05-28. Review status: criteria provided, single submitter. Criteria: Ambry Variant Classification Scheme 2023. Collection method: clinical testing. Allele origin: germline.
Comment: The p.S53N variant (also known as c.158G>A), located in coding exon 1 of the ALK gene, results from a G to A substitution at nucleotide position 158. The serine at codon 53 is replaced by asparagine, an amino acid with highly similar properties. This amino acid position is conserved. In addition, this alteration is predicted to be tolerated by in silico analysis. Since supporting evidence is limited at this time, the clinical significance of this alteration remains unclear.